The following is an entry in ClinVar:

ClinVar aggregate classification (germline): Likely benign (0 of 4 stars; one submission).

Conditions:
CCDC169-SOHLH2-related disorder. Also called: CCDC169-SOHLH2-related condition.

Allele frequency attached by ClinVar (database versions not stated): 1000 Genomes Project 30x 0.00781; 1000 Genomes Project 0.00799; TOPMed 0.01221; ExAC 0.01380; ESP Exome Variant Server 0.01461; gnomAD 0.01466; gnomAD exomes 0.01884.
gnomAD v4.1: 29,545 of 1,613,976 alleles (1.8%); highest among the groups gnomAD compares: Non-Finnish European, 2.1%; 348 homozygotes.

Submission:

PreventionGenetics, part of Exact Sciences
Classification: Likely benign for CCDC169-SOHLH2-related condition. Last evaluated: 2019-03-05. Review status: no assertion criteria provided. Collection method: clinical testing. Allele origin: germline.
Comment: This variant is classified as likely benign based on ACMG/AMP sequence variant interpretation guidelines (Richards et al. 2015 PMID: 25741868, with internal and published modifications).

NM_001198910.2(CCDC169-SOHLH2):c.1436G>A (p.Arg479Gln)

Genes: CCDC169-SOHLH2 (CCDC169-SOHLH2 readthrough; minus strand), SOHLH2 (spermatogenesis and oogenesis specific basic helix-loop-helix 2; minus strand). Cytogenetic location: 13q13.3.
Variant type: single nucleotide variant.
Coding change: c.1436G>A on transcript NM_001198910.2; coding-DNA position 1436, G replaced by A.
Protein change: p.Arg479Gln; replaces arginine 479 with glutamine.
Molecular consequence: missense variant.
Genome position (GRCh38, 1-based): chr13:36,170,583, C>T on the plus strand (G>A on the coding strand, the complement: CCDC169-SOHLH2 is on the minus strand). VCF-style: chr13-36170583-C-T. GRCh37 (hg19) VCF-style: chr13-36744720-C-T.
Other names: c.1205G>A, p.Arg402Gln (NM_017826.3); short protein forms R402Q, R479Q.
Identifiers: ClinVar variation 3038235 (VCV003038235.2), dbSNP rs61750906, ClinGen allele CA6948724.